The following is an entry in ClinVar:

ClinVar aggregate classification (germline): Uncertain significance (1 of 4 stars; one submission).

gnomAD v4.1: 1 of 1,604,894 alleles (0.000062%); no homozygotes.

Submission:

GeneDx
Classification: Uncertain significance. Last evaluated: 2024-12-16. Review status: criteria provided, single submitter. Criteria: GeneDx Variant Classification Process June 2021. Collection method: clinical testing. Allele origin: germline. Affected: yes.
Comment: Canonical splice site variant in a gene for which loss-of-function is not a known/an established mechanism of disease; Not observed at significant frequency in large population cohorts (gnomAD); Has not been previously published as pathogenic or benign to our knowledge

NM_001018005.2(TPM1):c.852-1G>T

Gene: TPM1 (tropomyosin 1; plus strand). Cytogenetic location: 15q22.2.
Variant type: single nucleotide variant.
Coding change: c.852-1G>T on transcript NM_001018005.2 (MANE Select); the canonical splice acceptor site of the intron before coding-DNA position 852, G replaced by T.
Molecular consequence: splice acceptor variant. On other transcripts: 3 prime UTR variant (4), non-coding transcript variant (1), intron variant (14).
Genome position (GRCh38, 1-based): chr15:63,065,895, G>T. VCF-style: chr15-63065895-G-T. GRCh37 (hg19) VCF-style: chr15-63358094-G-T.
Other names: c.*1749G>T (NM_001365781.2, NM_001365782.1, NM_001407333.1 and 1 more transcripts); c.898+3250G>T (NM_001365778.1); c.772+3250G>T (NM_001407336.1, NM_001018020.2, NM_001407338.1 and 5 more transcripts); c.851+1753G>T (NM_001407326.1); c.*45-1G>T (NM_001407323.1, NM_001407335.1, NM_000366.6 and 1 more transcripts); c.978-1G>T (NM_001407322.1); c.852-1G>T (NM_001407329.1, NM_001301244.2, NM_001407331.1); c.773-1G>T (NM_001407328.1, NM_001407327.1, NM_001365777.1); and 3 more.
Identifiers: ClinVar variation 3906472 (VCV003906472.1).